The following is an entry in ClinVar:

NM_001292063.2(OTOG):c.2177G>A (p.Arg726His)

Gene: OTOG (otogelin; plus strand). Cytogenetic location: 11p15.1.
Variant type: single nucleotide variant.
Coding change: c.2177G>A on transcript NM_001292063.2 (MANE Select); coding-DNA position 2177, G replaced by A.
Protein change: p.Arg726His; replaces arginine 726 with histidine.
Molecular consequence: missense variant.
Genome position (GRCh38, 1-based): chr11:17,573,174, G>A. VCF-style: chr11-17573174-G-A. GRCh37 (hg19) VCF-style: chr11-17594721-G-A.
Other names: c.2213G>A, p.Arg738His (NM_001277269.2); short protein forms R726H, R738H.
Identifiers: ClinVar variation 3903315 (VCV003903315.1).

ClinVar aggregate classification (germline): Uncertain significance (1 of 4 stars; one submission).

gnomAD v4.1: 13 of 1,542,244 alleles (0.00084%); highest among the groups gnomAD compares: East Asian, 0.0049%; no homozygotes.

Submission:

GeneDx
Classification: Uncertain significance. Last evaluated: 2024-12-11. Review status: criteria provided, single submitter. Criteria: GeneDx Variant Classification Process June 2021. Collection method: clinical testing. Allele origin: germline. Affected: yes.
Comment: In silico analysis supports that this missense variant has a deleterious effect on protein structure/function; Has not been previously published as pathogenic or benign to our knowledge